The following is an entry in ClinVar:

NM_014159.7(SETD2):c.1180_1182delinsAGA (p.Cys394Arg)

Gene: SETD2 (SET domain containing 2, histone lysine methyltransferase; minus strand). Cytogenetic location: 3p21.31.
Variant type: Indel.
Coding change: c.1180_1182delinsAGA on transcript NM_014159.7 (MANE Select); coding-DNA positions 1180 to 1182, TGT replaced by AGA.
Protein change: p.Cys394Arg; replaces cysteine 394 with arginine.
Molecular consequence: missense variant. On other transcripts: non-coding transcript variant (1).
Genome position (GRCh38, 1-based): chr3:47,123,454-47,123,456, ACA replaced by TCT on the plus strand (TGT replaced by AGA on the coding strand, the reverse complement: SETD2 is on the minus strand). VCF-style: chr3-47123454-ACA-TCT. GRCh37 (hg19) VCF-style: chr3-47164944-ACA-TCT.
Other names: c.1048_1050delinsAGA, p.Cys350Arg (NM_001349370.3); c.1180_1182delTGTinsAGA, p.Cys394Arg (NM_014159.6); short protein forms C350R, C394R.
Identifiers: ClinVar variation 3372728 (VCV003372728.1).
Genomic context (GRCh38, chr3:47,123,454, plus strand): 5'-TCTAGAGCCTCTCTCAGACCTAGAGTGAGATCTGCTCCGCCGTCGCTCTCTTTCTGATCT[ACA>TCT]TCGGGAAGATACATACCGAGTATCTCTTTCAAGTTTTGAATAGCTAAAATATTTATCATC-3'
Protein context (NP_054878.5, residues 384-404): ERDTRYVSSR[Cys394Arg]RSERERRRSR

ClinVar aggregate classification (germline): Uncertain significance (1 of 4 stars; one submission).

Submission:

GeneDx
Classification: Uncertain significance. Last evaluated: 2024-04-19. Review status: criteria provided, single submitter. Criteria: GeneDx Variant Classification Process June 2021. Collection method: clinical testing. Allele origin: germline. Affected: yes.
Comment: Not observed at significant frequency in large population cohorts (gnomAD); In silico analysis supports a deleterious effect on protein structure/function; In-frame deletion of 1 amino acid and in-frame insertion of 1 incorrect amino acid in a non-repeat region; Has not been previously published as pathogenic or benign to our knowledge